The following is an entry in ClinVar:

NM_021072.4(HCN1):c.2527C>G (p.Arg843Gly)

Gene: HCN1 (hyperpolarization activated cyclic nucleotide gated potassium channel 1; minus strand). Cytogenetic location: 5p12.
Variant type: single nucleotide variant.
Coding change: c.2527C>G on transcript NM_021072.4 (MANE Select); coding-DNA position 2527, C replaced by G.
Protein change: p.Arg843Gly; replaces arginine 843 with glycine.
Molecular consequence: missense variant.
Genome position (GRCh38, 1-based): chr5:45,262,067, G>C on the plus strand (C>G on the coding strand, the complement: HCN1 is on the minus strand). VCF-style: chr5-45262067-G-C. GRCh37 (hg19) VCF-style: chr5-45262169-G-C.
Other names: short protein forms R843G.
Identifiers: ClinVar variation 1481722 (VCV001481722.7), dbSNP rs1046832984, ClinGen allele CA359703166.

ClinVar aggregate classification (germline): Uncertain significance (1 of 4 stars; one submission).

Conditions:
Early-infantile DEE. Also called: Early infantile epileptic encephalopathy with suppression bursts; Early infantile epileptic encephalopathy; Ohtahara syndrome. Identifiers: Orphanet 1934, MedGen C0393706, MONDO:0800491.

Submission:

Labcorp Genetics (formerly Invitae), Labcorp
Classification: Uncertain significance for Early-infantile DEE. Last evaluated: 2021-08-09. Review status: criteria provided, single submitter. Criteria: Invitae Variant Classification Sherloc (09022015). Collection method: clinical testing. Allele origin: germline.
Comment: In summary, the available evidence is currently insufficient to determine the role of this variant in disease. Therefore, it has been classified as a Variant of Uncertain Significance. Advanced modeling of protein sequence and biophysical properties (such as structural, functional, and spatial information, amino acid conservation, physicochemical variation, residue mobility, and thermodynamic stability) performed at Invitae indicates that this missense variant is not expected to disrupt HCN1 protein function. This variant has not been reported in the literature in individuals affected with HCN1-related conditions. This sequence change replaces arginine with glycine at codon 843 of the HCN1 protein (p.Arg843Gly). The arginine residue is highly conserved and there is a moderate physicochemical difference between arginine and glycine. This variant is not present in population databases (ExAC no frequency).